The following is an entry in ClinVar:

ClinVar aggregate classification (germline): Pathogenic (1 of 4 stars; one submission).

Submission:

Labcorp Genetics (formerly Invitae), Labcorp
Classification: Pathogenic. Last evaluated: 2021-07-21. Review status: criteria provided, single submitter. Criteria: Invitae Variant Classification Sherloc (09022015). Collection method: clinical testing. Allele origin: germline.
Comment: For these reasons, this variant has been classified as Pathogenic. This variant has not been reported in the literature in individuals affected with LAMA3-related conditions. This variant is not present in population databases (ExAC no frequency). This sequence change creates a premature translational stop signal (p.Glu104*) in the LAMA3 gene. It is expected to result in an absent or disrupted protein product. Loss-of-function variants in LAMA3 are known to be pathogenic (PMID: 10366601, 11810295, 12915477, 16473856, 17362460, 22434185, 23869449, 27827380, 28087116).

Literature cited by the submitters: PubMed 10366601; PubMed 11810295; PubMed 12915477; PubMed 16473856; PubMed 17362460; PubMed 22434185; PubMed 23869449; PubMed 27827380; PubMed 28087116.

NM_198129.4(LAMA3):c.5137G>T (p.Glu1713Ter)

Gene: LAMA3 (laminin subunit alpha 3; plus strand). Cytogenetic location: 18q11.2.
Variant type: single nucleotide variant.
Coding change: c.5137G>T on transcript NM_198129.4 (MANE Select); coding-DNA position 5137, G replaced by T.
Protein change: p.Glu1713Ter; replaces glutamic acid 1713 with a stop codon.
Molecular consequence: nonsense.
Genome position (GRCh38, 1-based): chr18:23,881,960, G>T. VCF-style: chr18-23881960-G-T. GRCh37 (hg19) VCF-style: chr18-21461924-G-T.
Other names: c.310G>T, p.Glu104Ter (NM_000227.6, NM_001127718.4); c.5137G>T, p.Glu1713Ter (NM_001127717.4); short protein forms E1713*, E104*.
Identifiers: ClinVar variation 1379401 (VCV001379401.6), dbSNP rs1479370067, ClinGen allele CA402045214.